The following is an entry in ClinVar:

ClinVar aggregate classification (germline): Uncertain significance (1 of 4 stars; one submission).

Conditions:
ABCC8-related disorder.

Submission:

PreventionGenetics, part of Exact Sciences
Classification: Uncertain significance for ABCC8-related condition. Last evaluated: 2025-10-09. Review status: criteria provided, single submitter. Criteria: ACMG Guidelines, 2015. Collection method: clinical testing. Allele origin: germline.
Comment: The ABCC8 c.491T>C variant is predicted to result in the amino acid substitution p.Phe164Ser. To our knowledge, this variant has not been reported in the literature or in a large population database (gnomAD), indicating this variant is rare. At this time, the clinical significance of this variant is uncertain due to the absence of conclusive functional and genetic evidence.

NM_000352.6(ABCC8):c.491T>C (p.Phe164Ser)

Gene: ABCC8 (ATP binding cassette subfamily C member 8; minus strand). Cytogenetic location: 11p15.1.
Variant type: single nucleotide variant.
Coding change: c.491T>C on transcript NM_000352.6 (MANE Select); coding-DNA position 491, T replaced by C.
Protein change: p.Phe164Ser; replaces phenylalanine 164 with serine.
Molecular consequence: missense variant. On other transcripts: non-coding transcript variant (1).
Genome position (GRCh38, 1-based): chr11:17,463,526, A>G on the plus strand (T>C on the coding strand, the complement: ABCC8 is on the minus strand). VCF-style: chr11-17463526-A-G. GRCh37 (hg19) VCF-style: chr11-17485073-A-G.
Other names: c.491T>C, p.Phe164Ser (NM_001287174.3, NM_001351295.2, NM_001351296.2 and 1 more transcripts); short protein forms F164S.
Identifiers: ClinVar variation 4993690 (VCV004993690.1).